The following is an entry in ClinVar:

NM_199420.4(POLQ):c.7611A>C (p.Gln2537His)

Gene: POLQ (DNA polymerase theta; minus strand). Cytogenetic location: 3q13.33.
Variant type: single nucleotide variant.
Coding change: c.7611A>C on transcript NM_199420.4 (MANE Select); coding-DNA position 7611, A replaced by C.
Protein change: p.Gln2537His; replaces glutamine 2537 with histidine.
Molecular consequence: missense variant.
Genome position (GRCh38, 1-based): chr3:121,432,966, T>G on the plus strand (A>C on the coding strand, the complement: POLQ is on the minus strand). VCF-style: chr3-121432966-T-G. GRCh37 (hg19) VCF-style: chr3-121151813-T-G.
Other names: short protein forms Q2537H.
Identifiers: ClinVar variation 1759802 (VCV001759802.2), dbSNP rs756534857, ClinGen allele CA354093725.

ClinVar aggregate classification (germline): Uncertain significance (1 of 4 stars; one submission).

Submission:

Ambry Genetics
Classification: Uncertain significance. Last evaluated: 2022-06-15. Review status: criteria provided, single submitter. Criteria: Ambry Variant Classification Scheme 2023. Collection method: clinical testing. Allele origin: germline.
Comment: The p.Q2537H variant (also known as c.7611A>C), located in coding exon 29 of the POLQ gene, results from an A to C substitution at nucleotide position 7611. The glutamine at codon 2537 is replaced by histidine, an amino acid with highly similar properties. This amino acid position is conserved. In addition, this alteration is predicted to be deleterious by in silico analysis. Since supporting evidence is limited at this time, the clinical significance of this alteration remains unclear.